The following is an entry in ClinVar:

ClinVar aggregate classification (germline): Likely benign. Review status: criteria provided, single submitter (1 of 4 stars). 2 submissions from 2 submitters: Likely benign (1). 1 of the submissions does not count toward it. Last evaluated 2024-10-17.

Conditions:
SFTPA2-related disorder. Also called: SFTPA2-related condition.

Allele frequency attached by ClinVar (database versions not stated): ESP Exome Variant Server 0.00046; 1000 Genomes Project 30x 0.00047; 1000 Genomes Project 0.00060; gnomAD 0.00091; TOPMed 0.00132.
gnomAD v4.1: 1,790 of 1,613,724 alleles (0.11%); highest among the groups gnomAD compares: Admixed American, 0.3%; 3 homozygotes.

Submissions (2):

Blueprint Genetics
Classification: Likely benign. Last evaluated: 2024-10-17. Review status: criteria provided, single submitter. Criteria: ACMG Guidelines, 2015. Collection method: clinical testing. Allele origin: germline.

PreventionGenetics, part of Exact Sciences
Classification: Likely benign for SFTPA2-related condition. Last evaluated: 2019-04-03. Review status: no assertion criteria provided. Collection method: clinical testing. Allele origin: germline. Not counted in ClinVar's aggregate classification.
Comment: This variant is classified as likely benign based on ACMG/AMP sequence variant interpretation guidelines (Richards et al. 2015 PMID: 25741868, with internal and published modifications).

NM_001098668.4(SFTPA2):c.165C>A (p.Gly55=)

Gene: SFTPA2 (surfactant protein A2; minus strand). Cytogenetic location: 10q22.3.
Variant type: single nucleotide variant.
Coding change: c.165C>A on transcript NM_001098668.4 (MANE Select); coding-DNA position 165, C replaced by A.
Protein change: p.Gly55=; no amino-acid change (glycine 55 retained).
Molecular consequence: synonymous variant.
Genome position (GRCh38, 1-based): chr10:79,559,319, G>T on the plus strand (C>A on the coding strand, the complement: SFTPA2 is on the minus strand). VCF-style: chr10-79559319-G-T. GRCh37 (hg19) VCF-style: chr10-81319075-G-T.
Other names: c.165C>A, p.Gly55= (NM_001320813.2); c.195C>A, p.Gly65= (NM_001320814.1).
Identifiers: ClinVar variation 3045206 (VCV003045206.3), dbSNP rs374934406, ClinGen allele CA5574190.
Genomic context (GRCh38, chr10:79,559,319, plus strand): 5'-CCTGAAAAGGGGTCTGTGTCCCTCAGCTGAGGGTGGGGTCTGCAGCACAGTACCTGGAGG[G>T]CCAGGGTCTCCTTTGACACCATCTCTCCCGTCCCTGCCTGGCAGGCCGTGGGATCCAGGA-3'
Protein context (NP_001092138.1, residues 45-65): DGRDGVKGDP[Gly55=]PPGPMGPPGE